The following is an entry in ClinVar:

ClinVar aggregate classification (germline): Uncertain significance. Review status: criteria provided, multiple submitters, no conflicts (2 of 4 stars). 2 submissions from 2 submitters: Uncertain significance (2). Last evaluated 2023-03-13.

Allele frequency attached by ClinVar (database versions not stated): gnomAD exomes below 0.00001.
gnomAD v4.1: 6 of 1,600,612 alleles (0.00037%); highest among the groups gnomAD compares: Non-Finnish European, 0.00051%; no homozygotes.

Submissions (2):

GeneDx
Classification: Uncertain significance. Last evaluated: 2023-03-13. Review status: criteria provided, single submitter. Criteria: GeneDx Variant Classification Process June 2021. Collection method: clinical testing. Allele origin: germline. Affected: yes.
Comment: Not observed at significant frequency in large population cohorts (gnomAD); In silico analysis supports that this variant does not alter splicing; Has not been previously published as pathogenic or benign to our knowledge

Laboratory for Molecular Medicine, Mass General Brigham Personalized Medicine
Classification: Uncertain significance. Last evaluated: 2013-08-19. Review status: criteria provided, single submitter. Criteria: LMM Criteria. Collection method: clinical testing. Allele origin: germline. Observed: 1 variant allele.
Comment: The Ala526Thr variant in USH1C has not been reported in individuals with hearing loss, and data from large population studies is insufficient to assess the freq uency of this variant. Computational analyses (biochemical amino acid properties , conservation, AlignGVGD, PolyPhen2, and SIFT) do not provide strong support fo r or against an impact to the normal function of the protein. In summary, additi onal studies are needed to fully assess the clinical significance of the Ala526T hr variant.

NM_153676.4(USH1C):c.1576G>A (p.Ala526Thr)

Gene: USH1C (USH1 protein network component harmonin; minus strand). Cytogenetic location: 11p15.1.
Variant type: single nucleotide variant.
Coding change: c.1576G>A on transcript NM_153676.4 (MANE Select); coding-DNA position 1576, G replaced by A.
Protein change: p.Ala526Thr; replaces alanine 526 with threonine.
Molecular consequence: missense variant. On other transcripts: intron variant (2).
Genome position (GRCh38, 1-based): chr11:17,509,793, C>T on the plus strand (G>A on the coding strand, the complement: USH1C is on the minus strand). VCF-style: chr11-17509793-C-T. GRCh37 (hg19) VCF-style: chr11-17531340-C-T.
Other names: c.1227+7608G>A (NM_001297764.2); c.1284+7608G>A (NM_005709.4); short protein forms A526T.
Identifiers: ClinVar variation 166383 (VCV000166383.6), dbSNP rs727503711, ClinGen allele CA179480.